The following is an entry in ClinVar:

ClinVar aggregate classification (germline): Uncertain significance (1 of 4 stars; one submission).

Conditions:
C4BPB-related disorder. Also called: C4BPB-related condition.

gnomAD v4.1: 539 of 1,613,912 alleles (0.033%); highest among the groups gnomAD compares: Non-Finnish European, 0.043%; 1 homozygote.

Submission:

PreventionGenetics, part of Exact Sciences
Classification: Uncertain significance for C4BPB-related condition. Last evaluated: 2025-06-20. Review status: criteria provided, single submitter. Criteria: ACMG Guidelines, 2015. Collection method: clinical testing. Allele origin: germline.
Comment: The C4BPB c.694A>G variant is predicted to result in the amino acid substitution p.Thr232Ala. To our knowledge, this variant has not been reported in the literature. This variant is reported in 0.025% of alleles in individuals of European (Non-Finnish) descent in gnomAD. At this time, the clinical significance of this variant is uncertain due to the absence of conclusive functional and genetic evidence.

NM_001017365.3(C4BPB):c.694A>G (p.Thr232Ala)

Gene: C4BPB (complement component 4 binding protein beta; plus strand). Cytogenetic location: 1q32.1.
Variant type: single nucleotide variant.
Coding change: c.694A>G on transcript NM_001017365.3 (MANE Select); coding-DNA position 694, A replaced by G.
Protein change: p.Thr232Ala; replaces threonine 232 with alanine.
Molecular consequence: missense variant.
Genome position (GRCh38, 1-based): chr1:207,099,864, A>G. VCF-style: chr1-207099864-A-G. GRCh37 (hg19) VCF-style: chr1-207273209-A-G.
Other names: c.694A>G, p.Thr232Ala (NM_000716.3, NM_001017367.1); c.691A>G, p.Thr231Ala (NM_001017364.1, NM_001017366.3); short protein forms T231A, T232A.
Identifiers: ClinVar variation 4983745 (VCV004983745.1).